The following is an entry in ClinVar:

NM_001278116.2(L1CAM):c.3523G>A (p.Glu1175Lys)

Gene: L1CAM (L1 cell adhesion molecule; minus strand). Cytogenetic location: Xq28.
Variant type: single nucleotide variant.
Coding change: c.3523G>A on transcript NM_001278116.2 (MANE Select); coding-DNA position 3523, G replaced by A.
Protein change: p.Glu1175Lys; replaces glutamic acid 1175 with lysine.
Molecular consequence: missense variant.
Genome position (GRCh38, 1-based): chrX:153,863,484, C>T on the plus strand (G>A on the coding strand, the complement: L1CAM is on the minus strand). VCF-style: chrX-153863484-C-T. GRCh37 (hg19) VCF-style: chrX-153128939-C-T.
Other names: c.3523G>A, p.Glu1175Lys (NM_000425.5, NM_024003.3); c.3508G>A, p.Glu1170Lys (NM_001143963.2); short protein forms E1175K, E1170K.
Identifiers: ClinVar variation 423636 (VCV000423636.9), dbSNP rs1064796541, ClinGen allele CA16621229.

ClinVar aggregate classification (germline): Conflicting classifications of pathogenicity. Review status: criteria provided, conflicting classifications (1 of 4 stars). 3 submissions from 3 submitters: Uncertain significance (2); Likely benign (1). Last evaluated 2025-12-13.

Conditions:
Spastic paraplegia. Identifiers: MedGen C0037772, HP:0001258.

Allele frequency attached by ClinVar (database versions not stated): gnomAD exomes below 0.00001 and 0.00001; TOPMed 0.00001; gnomAD 0.00003.
gnomAD v4.1: 7 of 1,209,472 alleles (0.00058%); highest among the groups gnomAD compares: South Asian, 0.0018%; no homozygotes.

Submissions (3):

Labcorp Genetics (formerly Invitae), Labcorp
Classification: Likely benign for Spastic paraplegia. Last evaluated: 2025-12-13. Review status: criteria provided, single submitter. Criteria: Invitae Variant Classification Sherloc (09022015). Collection method: clinical testing. Allele origin: germline.

Women's Health and Genetics/Laboratory Corporation of America, LabCorp
Classification: Uncertain significance. Last evaluated: 2024-08-02. Review status: criteria provided, single submitter. Criteria: LabCorp Variant Classification Summary - May 2015. Collection method: clinical testing. Allele origin: germline.

GeneDx
Classification: Uncertain significance. Last evaluated: 2021-10-08. Review status: criteria provided, single submitter. Criteria: GeneDx Variant Classification Process June 2021. Collection method: clinical testing. Allele origin: germline. Affected: yes.
Comment: Has not been previously reported in association with disease to our knowledge; In silico analysis supports that this missense variant has a deleterious effect on protein structure/function; This variant is associated with the following publications: (PMID: Murshed2019[article], 25641508)